The following is an entry in ClinVar:

ClinVar aggregate classification (germline): Likely benign. Review status: criteria provided, multiple submitters, no conflicts (2 of 4 stars). 4 submissions from 4 submitters: Likely benign (4). Last evaluated 2025-10-01.

Conditions:
Hereditary cancer-predisposing syndrome. Also called: Neoplastic Syndromes, Hereditary; Hereditary neoplastic syndrome; Tumor predisposition; Hereditary Cancer Syndrome. Identifiers: Orphanet 140162, MedGen C0027672, MeSH D009386, MONDO:0015356.

Allele frequency attached by ClinVar (database versions not stated): ExAC 0.02558.

Submissions (4):

CeGaT Center for Human Genetics Tuebingen
Classification: Likely benign. Last evaluated: 2025-10-01. Review status: criteria provided, single submitter. Criteria: CeGaT Center For Human Genetics Tuebingen Variant Classification Criteria Version 2. Collection method: clinical testing. Allele origin: germline. Affected: yes. Observed: 1 variant allele.
Comment: CHEK2: BP4, BP7

Center for Genomic Medicine, Rigshospitalet, Copenhagen University Hospital
Classification: Likely benign. Last evaluated: 2025-03-04. Review status: criteria provided, single submitter. Criteria: ACMG Guidelines, 2015. Collection method: clinical testing. Allele origin: germline.

Sema4
Classification: Likely benign for Hereditary cancer-predisposing syndrome. Last evaluated: 2021-02-08. Review status: criteria provided, single submitter. Criteria: Sema4 Curation Guidelines. Collection method: curation. Allele origin: germline.

Ambry Genetics
Classification: Likely benign for Hereditary cancer-predisposing syndrome. Last evaluated: 2017-09-19. Review status: criteria provided, single submitter. Criteria: Ambry Variant Classification Scheme 2023. Collection method: clinical testing. Allele origin: germline.

NM_007194.4(CHEK2):c.1116C>T (p.Ser372=)

Gene: CHEK2 (checkpoint kinase 2; minus strand). Cytogenetic location: 22q12.1.
Variant type: single nucleotide variant.
Coding change: c.1116C>T on transcript NM_007194.4 (MANE Select); coding-DNA position 1116, C replaced by T.
Protein change: p.Ser372=; no amino-acid change (serine 372 retained).
Molecular consequence: synonymous variant.
Genome position (GRCh38, 1-based): chr22:28,695,853, G>A on the plus strand (C>T on the coding strand, the complement: CHEK2 is on the minus strand). VCF-style: chr22-28695853-G-A. GRCh37 (hg19) VCF-style: chr22-29091841-G-A.
Other names: c.1245C>T, p.Ser415= (NM_001005735.3); c.453C>T, p.Ser151= (NM_001257387.3); c.915C>T, p.Ser305= (NM_001349956.3); c.1029C>T, p.Ser343= (NM_145862.3).
Identifiers: ClinVar variation 1692937 (VCV001692937.12), dbSNP rs79357544, ClinGen allele CA10167721.